The following is an entry in ClinVar:

NM_001136191.3(KANK2):c.925C>T (p.Arg309Trp)

Gene: KANK2 (KN motif and ankyrin repeat domains 2; minus strand). Cytogenetic location: 19p13.2.
Variant type: single nucleotide variant.
Coding change: c.925C>T on transcript NM_001136191.3 (MANE Select); coding-DNA position 925, C replaced by T.
Protein change: p.Arg309Trp; replaces arginine 309 with tryptophan.
Molecular consequence: missense variant.
Genome position (GRCh38, 1-based): chr19:11,193,155, G>A on the plus strand (C>T on the coding strand, the complement: KANK2 is on the minus strand). VCF-style: chr19-11193155-G-A. GRCh37 (hg19) VCF-style: chr19-11303831-G-A.
Other names: c.925C>T, p.Arg309Trp (NM_001329451.2, NM_001379548.1, NM_001379549.1 and 15 more transcripts); short protein forms R309W.
Identifiers: ClinVar variation 2162706 (VCV002162706.6), dbSNP rs375864767, ClinGen allele CA9205944.

ClinVar aggregate classification (germline): Uncertain significance. Review status: criteria provided, multiple submitters, no conflicts (2 of 4 stars). 2 submissions from 2 submitters: Uncertain significance (2). Last evaluated 2025-11-27.

Allele frequency attached by ClinVar (database versions not stated): ESP Exome Variant Server 0.00008; ExAC 0.00010; gnomAD 0.00011; TOPMed 0.00013; 1000 Genomes Project 0.00020; 1000 Genomes Project 30x 0.00031.
gnomAD v4.1: 100 of 1,608,914 alleles (0.0062%); highest among the groups gnomAD compares: African/African-American, 0.02%; no homozygotes.

Submissions (2):

Labcorp Genetics (formerly Invitae), Labcorp
Classification: Uncertain significance. Last evaluated: 2025-11-27. Review status: criteria provided, single submitter. Criteria: Invitae Variant Classification Sherloc (09022015). Collection method: clinical testing. Allele origin: germline.
Comment: This sequence change replaces arginine, which is basic and polar, with tryptophan, which is neutral and slightly polar, at codon 309 of the KANK2 protein (p.Arg309Trp). This variant is present in population databases (rs375864767, gnomAD 0.03%). This variant has not been reported in the literature in individuals affected with KANK2-related conditions. ClinVar contains an entry for this variant (Variation ID: 2162706). An algorithm developed to predict the effect of missense changes on protein structure and function (PolyPhen-2) suggests that this variant is likely to be tolerated. In summary, the available evidence is currently insufficient to determine the role of this variant in disease. Therefore, it has been classified as a Variant of Uncertain Significance.

Ambry Genetics
Classification: Uncertain significance. Last evaluated: 2025-04-13. Review status: criteria provided, single submitter. Criteria: Ambry Variant Classification Scheme 2023. Collection method: clinical testing. Allele origin: germline.